The following is an entry in ClinVar:

ClinVar aggregate classification (germline): Likely benign (1 of 4 stars; one submission).

Conditions:
SHROOM3-related disorder. Also called: SHROOM3-related condition.

Submission:

PreventionGenetics, part of Exact Sciences
Classification: Likely benign for SHROOM3-related condition. Last evaluated: 2026-03-26. Review status: criteria provided, single submitter. Criteria: ACMG Guidelines, 2015. Collection method: clinical testing. Allele origin: germline.
Comment: This variant is classified as likely benign based on ACMG/AMP sequence variant interpretation guidelines (Richards et al. 2015 PMID: 25741868, with internal and published modifications).

NM_020859.4(SHROOM3):c.4029C>A (p.Val1343=)

Genes: SHROOM3 (shroom family member 3; plus strand), SHROOM3-AS1 (SHROOM3 antisense RNA 1; minus strand). Cytogenetic location: 4q21.1.
Variant type: single nucleotide variant.
Coding change: c.4029C>A on transcript NM_020859.4 (MANE Select); coding-DNA position 4029, C replaced by A.
Protein change: p.Val1343=; no amino-acid change (valine 1343 retained).
Molecular consequence: synonymous variant.
Genome position (GRCh38, 1-based): chr4:76,754,512, C>A. VCF-style: chr4-76754512-C-A. GRCh37 (hg19) VCF-style: chr4-77675665-C-A.
Identifiers: ClinVar variation 4989447 (VCV004989447.1).